The following is an entry in ClinVar:

NM_001005273.3(CHD3):c.3452T>A (p.Val1151Asp)

Gene: CHD3 (chromodomain helicase DNA binding protein 3; plus strand). Cytogenetic location: 17p13.1.
Variant type: single nucleotide variant.
Coding change: c.3452T>A on transcript NM_001005273.3 (MANE Select); coding-DNA position 3452, T replaced by A.
Protein change: p.Val1151Asp; replaces valine 1151 with aspartic acid.
Molecular consequence: missense variant.
Genome position (GRCh38, 1-based): chr17:7,903,018, T>A. VCF-style: chr17-7903018-T-A. GRCh37 (hg19) VCF-style: chr17-7806336-T-A.
Other names: c.3629T>A, p.Val1210Asp (NM_001005271.3, NM_001437504.1); c.3617T>A, p.Val1206Asp (NM_001437507.1, NM_001437508.1, NM_001437509.1); c.3452T>A, p.Val1151Asp (NM_005852.4); c.3629T>A (NM_001005271.2); short protein forms V1151D, V1206D, V1210D.
Identifiers: ClinVar variation 4075815 (VCV004075815.2).

ClinVar aggregate classification (germline): Pathogenic/Likely pathogenic. Review status: criteria provided, multiple submitters, no conflicts (2 of 4 stars). 2 submissions from 2 submitters: Pathogenic (1); Likely pathogenic (1). Last evaluated 2025-01-12.

Conditions:
Snijders Blok-Campeau syndrome. Also called: INTELLECTUAL DEVELOPMENTAL DISORDER WITH MACROCEPHALY, SPEECH DELAY, AND DYSMORPHIC FACIES. Identifiers: Orphanet 599082, MedGen C4748701, MONDO:0032600, OMIM 618205.
CHD3-related disorder. Also called: CHD3-related condition.

Submissions (2):

PreventionGenetics, part of Exact Sciences
Classification: Likely pathogenic for CHD3-related condition. Last evaluated: 2025-01-12. Review status: criteria provided, single submitter. Criteria: ACMG Guidelines, 2015. Collection method: clinical testing. Allele origin: germline.
Comment: The CHD3 c.3629T>A variant is predicted to result in the amino acid substitution p.Val1210Asp. To our knowledge, this variant has not been reported in the literature or in a large population database (gnomAD), indicating this variant is rare. This variant (also known as c.3452T>A, p.Val1151Asp in NM_001005273) is located within the helicase C-terminal domain where numerous other de novo missense variants have been identified in patients with developmental delay phenotypes (Figure 2, Snijders Blok et al. 2018. PubMed ID: 30397230). Taken together we interpret this variant as likely pathogenic.

Population and Medical Genomics Lab, Sidra Medicine
Classification: Pathogenic for Snijders Blok-Campeau syndrome. Review status: criteria provided, single submitter. Criteria: ACMG Guidelines, 2015. Collection method: research. Allele origin: de novo. Inheritance: Autosomal dominant inheritance. Affected: yes. Observed: 1 heterozygote.
Comment: The CHD3 variant c.3452T>A p.(Val1151Asp) is novel and has not been reported in literature and the gnomAD database (PM2). It is a missense variant present in a functional, highly conserved protein domain and mutational hotspot (PM1) (PP3). Thus, the variant p.(Val1151Asp) meets the criteria of Pathogenic classification as per the ACMG guidelines.

Literature cited by the submitters: PubMed 30397230 (cited by Population and Medical Genomics Lab, Sidra Medicine); PubMed 32483341 (cited by Population and Medical Genomics Lab, Sidra Medicine).